The following is an entry in ClinVar:

NM_001353345.2(SETD1B):c.2158del (p.His720fs)

Gene: SETD1B (SET domain containing 1B, histone lysine methyltransferase; plus strand). Cytogenetic location: 12q24.31.
Variant type: Deletion.
Coding change: c.2158del on transcript NM_001353345.2 (MANE Select); coding-DNA position 2158, one base deleted (C; older notation c.2158delC).
Protein change: p.His720fs; shifts the reading frame from histidine 720.
Molecular consequence: frameshift variant.
Genome position (GRCh38, 1-based): chr12:121,814,373, C deleted; the last of 3 consecutive C bases (chr12:121,814,371-121,814,373); deleting any one gives the same sequence. VCF-style (leftmost placement, unchanged base first): chr12-121814370-GC-G. GRCh37 (hg19) VCF-style: chr12-122252276-GC-G.
Other names: short protein forms H720fs.
Identifiers: ClinVar variation 2505213 (VCV002505213.1), dbSNP rs2500200230, ClinGen allele CA2575327201.

ClinVar aggregate classification (germline): Likely pathogenic (1 of 4 stars; one submission).

Conditions:
Intellectual developmental disorder with seizures and language delay (IDDSELD). Identifiers: MedGen C5436574, MONDO:0033559, OMIM 619000.

Submission:

Greenwood Genetic Center Diagnostic Laboratories, Greenwood Genetic Center
Classification: Likely pathogenic for Intellectual developmental disorder with seizures and language delay. Last evaluated: 2023-01-17. Review status: criteria provided, single submitter. Criteria: ACMG Guidelines, 2015. Collection method: clinical testing. Allele origin: germline. Affected: yes.
Comment: PVS1, PM2